The following is an entry in ClinVar:

ClinVar aggregate classification (germline): Uncertain significance. Review status: criteria provided, multiple submitters, no conflicts (2 of 4 stars). 2 submissions from 2 submitters: Uncertain significance (2). Last evaluated 2026-05-03.

Conditions:
Hereditary cancer-predisposing syndrome. Also called: Hereditary neoplastic syndrome; Neoplastic Syndromes, Hereditary; Tumor predisposition; Hereditary Cancer Syndrome. Identifiers: Orphanet 140162, MedGen C0027672, MeSH D009386, MONDO:0015356.
Familial adenomatous polyposis 1 (FAP1). Also called: FAMILIAL ADENOMATOUS POLYPOSIS 1, ATTENUATED; POLYPOSIS, ADENOMATOUS INTESTINAL. Identifiers: MedGen C2713442, MONDO:0021056, OMIM 175100. Disease mechanism: loss of function.

Submissions (2):

Ambry Genetics
Classification: Uncertain significance for Hereditary cancer-predisposing syndrome. Last evaluated: 2026-05-03. Review status: criteria provided, single submitter. Criteria: Ambry Variant Classification Scheme 2023. Collection method: clinical testing. Allele origin: germline.
Comment: The p.I2694L variant (also known as c.8080A>C), located in coding exon 15 of the APC gene, results from an A to C substitution at nucleotide position 8080. The isoleucine at codon 2694 is replaced by leucine, an amino acid with highly similar properties. This amino acid position is conserved. In addition, in silico predictors for this gene do not accurately predict pathogenicity. Based on the available evidence, the clinical significance of this variant remains unclear.

Labcorp Genetics (formerly Invitae), Labcorp
Classification: Uncertain significance for Familial adenomatous polyposis 1. Last evaluated: 2020-08-03. Review status: criteria provided, single submitter. Criteria: Invitae Variant Classification Sherloc (09022015). Collection method: clinical testing. Allele origin: germline.
Comment: In summary, the available evidence is currently insufficient to determine the role of this variant in disease. Therefore, it has been classified as a Variant of Uncertain Significance. Algorithms developed to predict the effect of missense changes on protein structure and function (SIFT, PolyPhen-2, Align-GVGD) all suggest that this variant is likely to be tolerated, but these predictions have not been confirmed by published functional studies and their clinical significance is uncertain. This variant has not been reported in the literature in individuals with APC-related conditions. This variant is not present in population databases (ExAC no frequency). This sequence change replaces isoleucine with leucine at codon 2694 of the APC protein (p.Ile2694Leu). The isoleucine residue is weakly conserved and there is a small physicochemical difference between isoleucine and leucine.

NM_000038.6(APC):c.8080A>C (p.Ile2694Leu)

Gene: APC (APC regulator of Wnt signaling pathway; plus strand). Cytogenetic location: 5q22.2.
Variant type: single nucleotide variant.
Coding change: c.8080A>C on transcript NM_000038.6 (MANE Select); coding-DNA position 8080, A replaced by C.
Protein change: p.Ile2694Leu; replaces isoleucine 2694 with leucine.
Molecular consequence: missense variant.
Genome position (GRCh38, 1-based): chr5:112,843,674, A>C. VCF-style: chr5-112843674-A-C. GRCh37 (hg19) VCF-style: chr5-112179371-A-C.
Other names: c.8080A>C (NM_000038.5); c.8080A>C, p.Ile2694Leu (NM_001127510.3, NM_001354895.2); c.8026A>C, p.Ile2676Leu (NM_001127511.3); c.8134A>C, p.Ile2712Leu (NM_001354896.2); c.8110A>C, p.Ile2704Leu (NM_001354897.2); c.8005A>C, p.Ile2669Leu (NM_001354898.2); c.7996A>C, p.Ile2666Leu (NM_001354899.2); c.7957A>C, p.Ile2653Leu (NM_001354900.2); and 6 more; short protein forms I2411L, I2534L, I2568L, I2593L, I2603L, I2635L, I2653L, I2666L.
Identifiers: ClinVar variation 1020004 (VCV001020004.11), dbSNP rs779733163, ClinGen allele CA16038875.